The following is an entry in ClinVar:

NM_170754.4(TNS2):c.3037C>T (p.Arg1013Cys)

Gene: TNS2 (tensin 2; plus strand). Cytogenetic location: 12q13.13.
Variant type: single nucleotide variant.
Coding change: c.3037C>T on transcript NM_170754.4 (MANE Select); coding-DNA position 3037, C replaced by T.
Protein change: p.Arg1013Cys; replaces arginine 1013 with cysteine.
Molecular consequence: missense variant.
Genome position (GRCh38, 1-based): chr12:53,060,943, C>T. VCF-style: chr12-53060943-C-T. GRCh37 (hg19) VCF-style: chr12-53454727-C-T.
Other names: c.3037C>T, p.Arg1013Cys (NM_001416202.1); c.2995C>T, p.Arg999Cys (NM_001416203.1); c.3064C>T, p.Arg1022Cys (NM_001416204.1); c.2968C>T, p.Arg990Cys (NM_015319.3); c.2665C>T, p.Arg889Cys (NM_198316.2); short protein forms R1013C, R889C, R1023C, R1022C, R990C, R999C.
Identifiers: ClinVar variation 2142956 (VCV002142956.6), dbSNP rs142983356, ClinGen allele CA6592750.

ClinVar aggregate classification (germline): Uncertain significance. Review status: criteria provided, multiple submitters, no conflicts (2 of 4 stars). 2 submissions from 2 submitters: Uncertain significance (2). Last evaluated 2025-08-11.

Allele frequency attached by ClinVar (database versions not stated): gnomAD 0.00021; ESP Exome Variant Server 0.00031; TOPMed 0.00032; ExAC 0.00041.

Submissions (2):

Labcorp Genetics (formerly Invitae), Labcorp
Classification: Uncertain significance. Last evaluated: 2025-08-11. Review status: criteria provided, single submitter. Criteria: Invitae Variant Classification Sherloc (09022015). Collection method: clinical testing. Allele origin: germline.
Comment: This sequence change replaces arginine, which is basic and polar, with cysteine, which is neutral and slightly polar, at codon 1023 of the TNS2 protein (p.Arg1023Cys). This variant is present in population databases (rs142983356, gnomAD 0.08%), and has an allele count higher than expected for a pathogenic variant. This variant has not been reported in the literature in individuals affected with TNS2-related conditions. ClinVar contains an entry for this variant (Variation ID: 2142956). An algorithm developed to predict the effect of missense changes on protein structure and function (PolyPhen-2) suggests that this variant is likely to be tolerated. In summary, the available evidence is currently insufficient to determine the role of this variant in disease. Therefore, it has been classified as a Variant of Uncertain Significance.

Ambry Genetics
Classification: Uncertain significance. Last evaluated: 2024-05-30. Review status: criteria provided, single submitter. Criteria: Ambry Variant Classification Scheme 2023. Collection method: clinical testing. Allele origin: germline.